The following is an entry in ClinVar:

ClinVar aggregate classification (germline): Uncertain significance (1 of 4 stars; one submission).

Conditions:
Ullrich congenital muscular dystrophy 2 (UCMD2). Identifiers: Orphanet 75840, MedGen C4225314, MONDO:0014654, OMIM 616470.
Bethlem myopathy 2 (BTHLM2). Identifiers: Orphanet 536516, Orphanet 610, MedGen C4225313, MONDO:0034022, OMIM 616471.

Submission:

Labcorp Genetics (formerly Invitae), Labcorp
Classification: Uncertain significance for Bethlem myopathy 2; Ullrich congenital muscular dystrophy 2. Last evaluated: 2023-07-24. Review status: criteria provided, single submitter. Criteria: Invitae Variant Classification Sherloc (09022015). Collection method: clinical testing. Allele origin: germline.
Comment: In summary, the available evidence is currently insufficient to determine the role of this variant in disease. Therefore, it has been classified as a Variant of Uncertain Significance. Advanced modeling of protein sequence and biophysical properties (such as structural, functional, and spatial information, amino acid conservation, physicochemical variation, residue mobility, and thermodynamic stability) performed at Invitae indicates that this missense variant is not expected to disrupt COL12A1 protein function. ClinVar contains an entry for this variant (Variation ID: 1713955). This variant has not been reported in the literature in individuals affected with COL12A1-related conditions. This variant is not present in population databases (gnomAD no frequency). This sequence change replaces valine, which is neutral and non-polar, with glycine, which is neutral and non-polar, at codon 2250 of the COL12A1 protein (p.Val2250Gly).

NM_004370.6(COL12A1):c.6749T>G (p.Val2250Gly)

Gene: COL12A1 (collagen type XII alpha 1 chain; minus strand). Cytogenetic location: 6q13.
Variant type: single nucleotide variant.
Coding change: c.6749T>G on transcript NM_004370.6 (MANE Select); coding-DNA position 6749, T replaced by G.
Protein change: p.Val2250Gly; replaces valine 2250 with glycine.
Molecular consequence: missense variant.
Genome position (GRCh38, 1-based): chr6:75,124,070, A>C on the plus strand (T>G on the coding strand, the complement: COL12A1 is on the minus strand). VCF-style: chr6-75124070-A-C. GRCh37 (hg19) VCF-style: chr6-75833786-A-C.
Other names: c.3257T>G, p.Val1086Gly (NM_080645.3); short protein forms V1086G, V2250G.
Identifiers: ClinVar variation 1713955 (VCV001713955.6), dbSNP rs2533229424, ClinGen allele CA364728670.